The following is an entry in ClinVar:

ClinVar aggregate classification (germline): Likely benign (0 of 4 stars; one submission).

Conditions:
KRT6B-related disorder. Also called: KRT6B-related condition.

Allele frequency attached by ClinVar (database versions not stated): gnomAD 0.00003; ExAC 0.00007; ESP Exome Variant Server 0.00008; 1000 Genomes Project 30x 0.00016.

Submission:

PreventionGenetics, part of Exact Sciences
Classification: Likely benign for KRT6B-related condition. Last evaluated: 2020-02-05. Review status: no assertion criteria provided. Collection method: clinical testing. Allele origin: germline.
Comment: This variant is classified as likely benign based on ACMG/AMP sequence variant interpretation guidelines (Richards et al. 2015 PMID: 25741868, with internal and published modifications).

NM_005555.4(KRT6B):c.462C>T (p.Pro154=)

Gene: KRT6B (keratin 6B; minus strand). Cytogenetic location: 12q13.13.
Variant type: single nucleotide variant.
Coding change: c.462C>T on transcript NM_005555.4 (MANE Select); coding-DNA position 462, C replaced by T.
Protein change: p.Pro154=; no amino-acid change (proline 154 retained).
Molecular consequence: synonymous variant.
Genome position (GRCh38, 1-based): chr12:52,451,617, G>A on the plus strand (C>T on the coding strand, the complement: KRT6B is on the minus strand). VCF-style: chr12-52451617-G-A. GRCh37 (hg19) VCF-style: chr12-52845401-G-A.
Identifiers: ClinVar variation 3052217 (VCV003052217.2), dbSNP rs145409385, ClinGen allele CA6580845.